The following is an entry in ClinVar:

NM_006565.4(CTCF):c.390A>G (p.Ser130=)

Gene: CTCF (CCCTC-binding factor; plus strand). Cytogenetic location: 16q22.1.
Variant type: single nucleotide variant.
Coding change: c.390A>G on transcript NM_006565.4 (MANE Select); coding-DNA position 390, A replaced by G.
Protein change: p.Ser130=; no amino-acid change (serine 130 retained).
Molecular consequence: synonymous variant. On other transcripts: intron variant (1).
Genome position (GRCh38, 1-based): chr16:67,611,222, A>G. VCF-style: chr16-67611222-A-G. GRCh37 (hg19) VCF-style: chr16-67645125-A-G.
Other names: c.390A>G, p.Ser130= (NM_001363916.2); c.-32-5523A>G (NM_001191022.2).
Identifiers: ClinVar variation 2646627 (VCV002646627.25), dbSNP rs756840886, ClinGen allele CA8112511.

ClinVar aggregate classification (germline): Likely benign. Review status: criteria provided, single submitter (1 of 4 stars). 2 submissions from 2 submitters: Likely benign (1). 1 of the submissions does not count toward it. Last evaluated 2024-07-01.

Conditions:
CTCF-related disorder. Also called: CTCF-related condition. Identifiers: MedGen CN381101.

Allele frequency attached by ClinVar (database versions not stated): gnomAD exomes below 0.00001; TOPMed below 0.00001; ExAC 0.00001.
gnomAD v4.1: 4 of 1,614,206 alleles (0.00025%); highest among the groups gnomAD compares: Non-Finnish European, 0.00017%; no homozygotes.

Submissions (2):

CeGaT Center for Human Genetics Tuebingen
Classification: Likely benign. Last evaluated: 2024-07-01. Review status: criteria provided, single submitter. Criteria: CeGaT Center For Human Genetics Tuebingen Variant Classification Criteria Version 2. Collection method: clinical testing. Allele origin: germline. Affected: yes. Observed: 3 variant alleles.
Comment: CTCF: BP4, BP7

PreventionGenetics, part of Exact Sciences
Classification: Likely benign for CTCF-related condition. Last evaluated: 2019-05-02. Review status: no assertion criteria provided. Collection method: clinical testing. Allele origin: germline. Not counted in ClinVar's aggregate classification.
Comment: This variant is classified as likely benign based on ACMG/AMP sequence variant interpretation guidelines (Richards et al. 2015 PMID: 25741868, with internal and published modifications).